The following is an entry in ClinVar:

NM_003036.4(SKI):c.702C>G (p.Pro234=)

Gene: SKI (SKI proto-oncogene; plus strand). Cytogenetic location: 1p36.33.
Variant type: single nucleotide variant.
Coding change: c.702C>G on transcript NM_003036.4 (MANE Select); coding-DNA position 702, C replaced by G.
Protein change: p.Pro234=; no amino-acid change (proline 234 retained).
Molecular consequence: synonymous variant.
Genome position (GRCh38, 1-based): chr1:2,229,468, C>G. VCF-style: chr1-2229468-C-G. GRCh37 (hg19) VCF-style: chr1-2160907-C-G.
Identifiers: ClinVar variation 388701 (VCV000388701.6), dbSNP rs1057523205, ClinGen allele CA16603547.

ClinVar aggregate classification (germline): Likely benign. Review status: criteria provided, multiple submitters, no conflicts (2 of 4 stars). 3 submissions from 3 submitters: Likely benign (3). Last evaluated 2024-11-27.

Conditions:
Shprintzen-Goldberg syndrome (SGS). Also called: SHPRINTZEN-GOLDBERG CRANIOSYNOSTOSIS SYNDROME; CRANIOSYNOSTOSIS WITH ARACHNODACTYLY AND ABDOMINAL HERNIAS; Marfanoid disorder with craniosynostosis type 1; Marfanoid craniosynostosis syndrome; Shprintzen-Goldberg marfanoid syndrome. Identifiers: Orphanet 2462, MedGen C1321551, MONDO:0008426, OMIM 182212.
Familial thoracic aortic aneurysm and aortic dissection (TAAD). Also called: Thoracic aortic aneurysms and dissections. Identifiers: Orphanet 91387, MedGen C4707243, MONDO:0019625.

Allele frequency attached by ClinVar (database versions not stated): TOPMed below 0.00001; gnomAD 0.00001; gnomAD exomes below 0.00001.
gnomAD v4.1: 15 of 1,611,824 alleles (0.00093%); highest among the groups gnomAD compares: African/African-American, 0.0013%; no homozygotes.

Submissions (3):

Labcorp Genetics (formerly Invitae), Labcorp
Classification: Likely benign for Shprintzen-Goldberg syndrome. Last evaluated: 2024-11-27. Review status: criteria provided, single submitter. Criteria: Invitae Variant Classification Sherloc (09022015). Collection method: clinical testing. Allele origin: germline.

Ambry Genetics
Classification: Likely benign for Familial thoracic aortic aneurysm and aortic dissection. Last evaluated: 2023-06-19. Review status: criteria provided, single submitter. Criteria: Ambry Variant Classification Scheme 2023. Collection method: clinical testing. Allele origin: germline.

GeneDx
Classification: Likely benign. Last evaluated: 2016-08-17. Review status: criteria provided, single submitter. Criteria: GeneDx Variant Classification (06012015). Collection method: clinical testing. Allele origin: germline. Affected: yes.
Comment: This variant is considered likely benign or benign based on one or more of the following criteria: it is a conservative change, it occurs at a poorly conserved position in the protein, it is predicted to be benign by multiple in silico algorithms, and/or has population frequency not consistent with disease.